The following is an entry in ClinVar:

NM_002470.4(MYH3):c.3943_3944delinsAT (p.Glu1315Met)

Gene: MYH3 (myosin heavy chain 3; minus strand). Cytogenetic location: 17p13.1.
Variant type: Indel.
Coding change: c.3943_3944delinsAT on transcript NM_002470.4 (MANE Select); coding-DNA positions 3943 to 3944, GA replaced by AT.
Protein change: p.Glu1315Met; replaces glutamic acid 1315 with methionine.
Molecular consequence: missense variant.
Genome position (GRCh38, 1-based): chr17:10,635,766-10,635,767, TC replaced by AT on the plus strand (GA replaced by AT on the coding strand, the reverse complement: MYH3 is on the minus strand). VCF-style: chr17-10635766-TC-AT. GRCh37 (hg19) VCF-style: chr17-10539083-TC-AT.
Other names: short protein forms E1315M.
Identifiers: ClinVar variation 1443451 (VCV001443451.6), dbSNP rs2142390504, ClinGen allele CA2573152955.

ClinVar aggregate classification (germline): Uncertain significance (1 of 4 stars; one submission).

Submission:

Labcorp Genetics (formerly Invitae), Labcorp
Classification: Uncertain significance. Last evaluated: 2022-07-05. Review status: criteria provided, single submitter. Criteria: Invitae Variant Classification Sherloc (09022015). Collection method: clinical testing. Allele origin: germline.
Comment: In summary, the available evidence is currently insufficient to determine the role of this variant in disease. Therefore, it has been classified as a Variant of Uncertain Significance. Algorithms developed to predict the effect of missense changes on protein structure and function are either unavailable or do not agree on the potential impact of this missense change (SIFT: "Not Available"; PolyPhen-2: "Possibly Damaging"; Align-GVGD: "Not Available"). ClinVar contains an entry for this variant (Variation ID: 1443451). This variant has not been reported in the literature in individuals affected with MYH3-related conditions. Information on the frequency of this variant in the gnomAD database is not available, as this variant may be reported differently in the database. This sequence change replaces glutamic acid with methionine at codon 1315 of the MYH3 protein (p.Glu1315Met). The glutamic acid residue is highly conserved and there is a moderate physicochemical difference between glutamic acid and methionine.